The following is an entry in ClinVar:

NM_000540.3(RYR1):c.8321A>G (p.Asn2774Ser)

Genes: RYR1 (ryanodine receptor 1; plus strand), LOC126862902 (BRD4-independent group 4 enhancer GRCh37_chr19:38995830-38997029; plus strand). Cytogenetic location: 19q13.2.
Variant type: single nucleotide variant.
Coding change: c.8321A>G on transcript NM_000540.3 (MANE Select); coding-DNA position 8321, A replaced by G.
Protein change: p.Asn2774Ser; replaces asparagine 2774 with serine.
Molecular consequence: missense variant.
Genome position (GRCh38, 1-based): chr19:38,505,319, A>G. VCF-style: chr19-38505319-A-G. GRCh37 (hg19) VCF-style: chr19-38995959-A-G.
Other names: c.8321A>G, p.Asn2774Ser (NM_001042723.2); short protein forms N2774S.
Identifiers: ClinVar variation 3385471 (VCV003385471.1).
Genomic context (GRCh38, chr19:38,505,319, plus strand): 5'-GTGTCCCCAACTGCTGCCTCCCCCTCACCCTGCCTCCCCTCCATCTCTAGATCCAGAACA[A>G]CTGGTCCTATGGAGAGAACATAGACGAGGAGCTGAAGACCCACCCCATGCTGAGGCCCTA-3'
Protein context (NP_000531.2, residues 2764-2784): EKWAFDKIQN[Asn2774Ser]WSYGENIDEE

ClinVar aggregate classification (germline): Uncertain significance (1 of 4 stars; one submission).

Conditions:
Malignant hyperthermia, susceptibility to, 1 (MHS1). Also called: Anesthesia related hyperthermia; Malignant hyperpyrexia; Fulminating hyperpyrexia; Pharmacogenic myopathy; Malignant hyperthermia suceptibility 1; RYR1-Related Malignant Hyperthermia Susceptibility. Identifiers: Orphanet 423, MedGen C2930980, MONDO:0007783, OMIM 145600.

gnomAD v4.1: 1 of 1,610,504 alleles (0.000062%); highest among the groups gnomAD compares: African/African-American, 0.0013%; no homozygotes.

Submission:

All of Us Research Program, National Institutes of Health
Classification: Uncertain significance for Malignant hyperthermia, susceptibility to, 1. Last evaluated: 2024-08-13. Review status: criteria provided, single submitter. Criteria: ACMG Guidelines, 2015. Collection method: clinical testing. Allele origin: germline. Inheritance: Autosomal dominant inheritance. Observed: 1 variant allele, 1 heterozygote.
Comment: This missense variant replaces asparagine with serine at codon 2774 of the RYR1 protein. Computational prediction suggests that this variant may not impact protein structure and function (internally defined REVEL score threshold <= 0.5, PMID: 27666373). To our knowledge, functional studies have not been reported for this variant. This variant has not been reported in individuals affected with RYR1-related disorders in the literature. This variant has not been identified in the general population by the Genome Aggregation Database (gnomAD). The available evidence is insufficient to determine the role of this variant in disease conclusively. Therefore, this variant is classified as a Variant of Uncertain Significance.

This study involves interpretation of variants in research participants for the purpose of population health screening. Participant phenotype was not available at the time of variant classification. Additional details can be found in publication PMID: 35346344, PMCID: PMC8962531